The following is an entry in ClinVar:

NM_001378477.3(NYX):c.800C>T (p.Ala267Val)

Gene: NYX (nyctalopin; plus strand). Cytogenetic location: Xp11.4.
Variant type: single nucleotide variant.
Coding change: c.800C>T on transcript NM_001378477.3 (MANE Select); coding-DNA position 800, C replaced by T.
Protein change: p.Ala267Val; replaces alanine 267 with valine.
Molecular consequence: missense variant.
Genome position (GRCh38, 1-based): chrX:41,474,268, C>T. VCF-style: chrX-41474268-C-T. GRCh37 (hg19) VCF-style: chrX-41333521-C-T.
Other names: c.800C>T, p.Ala267Val (NM_022567.3); c.815C>T (NM_022567.2); short protein forms A267V.
Identifiers: ClinVar variation 1388492 (VCV001388492.9), dbSNP rs762965024, ClinGen allele CA10389863.

ClinVar aggregate classification (germline): Uncertain significance. Review status: criteria provided, multiple submitters, no conflicts (2 of 4 stars). 2 submissions from 2 submitters: Uncertain significance (2). Last evaluated 2022-12-16.

Conditions:
Inborn genetic diseases. Identifiers: MedGen C0950123, MeSH D030342.

Allele frequency attached by ClinVar (database versions not stated): ExAC 0.00001; gnomAD 0.00001; gnomAD exomes 0.00001; TOPMed 0.00001.

Submissions (2):

Ambry Genetics
Classification: Uncertain significance for Inborn genetic diseases. Last evaluated: 2022-12-16. Review status: criteria provided, single submitter. Criteria: Ambry Variant Classification Scheme 2023. Collection method: clinical testing. Allele origin: germline.

Labcorp Genetics (formerly Invitae), Labcorp
Classification: Uncertain significance. Last evaluated: 2022-02-04. Review status: criteria provided, single submitter. Criteria: Invitae Variant Classification Sherloc (09022015). Collection method: clinical testing. Allele origin: germline.
Comment: In summary, the available evidence is currently insufficient to determine the role of this variant in disease. Therefore, it has been classified as a Variant of Uncertain Significance. Algorithms developed to predict the effect of missense changes on protein structure and function are either unavailable or do not agree on the potential impact of this missense change (SIFT: "Deleterious"; PolyPhen-2: "Benign"; Align-GVGD: "Class C0"). This variant has not been reported in the literature in individuals affected with NYX-related conditions. This variant is present in population databases (rs762965024, gnomAD 0.008%). This sequence change replaces alanine, which is neutral and non-polar, with valine, which is neutral and non-polar, at codon 272 of the NYX protein (p.Ala272Val).